The following is an entry in ClinVar:

ClinVar aggregate classification (germline): Uncertain significance (1 of 4 stars; one submission).

Conditions:
Primary ciliary dyskinesia. Also called: Ciliary dyskinesia. Identifiers: Orphanet 244, MedGen C0008780, MONDO:0016575, HP:0012265.

gnomAD v4.1: 3 of 1,608,760 alleles (0.00019%); highest among the groups gnomAD compares: African/African-American, 0.0027%; no homozygotes.

Submission:

Ambry Genetics
Classification: Uncertain significance for Primary ciliary dyskinesia. Last evaluated: 2025-02-15. Review status: criteria provided, single submitter. Criteria: Ambry Variant Classification Scheme 2023. Collection method: clinical testing. Allele origin: germline.
Comment: The p.A4442V variant (also known as c.13325C>T), located in coding exon 82 of the DNAH11 gene, results from a C to T substitution at nucleotide position 13325. The alanine at codon 4442 is replaced by valine, an amino acid with similar properties. This amino acid position is conserved. In addition, this alteration is predicted to be tolerated by in silico analysis. Based on the available evidence, the clinical significance of this variant remains unclear.

NM_001277115.2(DNAH11):c.13325C>T (p.Ala4442Val)

Genes: CDCA7L (cell division cycle associated 7 like; minus strand), DNAH11 (dynein axonemal heavy chain 11; plus strand). Cytogenetic location: 7p15.3.
Variant type: single nucleotide variant.
Coding change: c.13325C>T on transcript NM_001277115.2 (MANE Select); coding-DNA position 13325, C replaced by T.
Protein change: p.Ala4442Val; replaces alanine 4442 with valine.
Molecular consequence: missense variant. On other transcripts: 3 prime UTR variant (3).
Genome position (GRCh38, 1-based): chr7:21,901,028, C>T. VCF-style: chr7-21901028-C-T. GRCh37 (hg19) VCF-style: chr7-21940646-C-T.
Other names: c.*1294G>A (NM_001127370.3, NM_001127371.3, NM_018719.5); short protein forms A4442V.
Identifiers: ClinVar variation 3840820 (VCV003840820.1).